The following is an entry in ClinVar:

NM_001204.7(BMPR2):c.1265A>G (p.Asp422Gly)

Gene: BMPR2 (bone morphogenetic protein receptor type 2; plus strand). Cytogenetic location: 2q33.2.
Variant type: single nucleotide variant.
Coding change: c.1265A>G on transcript NM_001204.7 (MANE Select); coding-DNA position 1265, A replaced by G.
Protein change: p.Asp422Gly; replaces aspartic acid 422 with glycine.
Molecular consequence: missense variant.
Genome position (GRCh38, 1-based): chr2:202,532,721, A>G. VCF-style: chr2-202532721-A-G. GRCh37 (hg19) VCF-style: chr2-203397444-A-G.
Other names: short protein forms D422G.
Identifiers: ClinVar variation 3824769 (VCV003824769.1).

ClinVar aggregate classification (germline): Uncertain significance (1 of 4 stars; one submission).

Conditions:
Inborn genetic diseases. Identifiers: MedGen C0950123, MeSH D030342.

gnomAD v4.1: 2 of 1,612,762 alleles (0.00012%); highest among the groups gnomAD compares: Admixed American, 0.0033%; no homozygotes.

Submission:

Ambry Genetics
Classification: Uncertain significance for Inborn genetic diseases. Last evaluated: 2024-12-21. Review status: criteria provided, single submitter. Criteria: Ambry Variant Classification Scheme 2023. Collection method: clinical testing. Allele origin: germline.
Comment: The p.D422G variant (also known as c.1265A>G), located in coding exon 9 of the BMPR2 gene, results from an A to G substitution at nucleotide position 1265. The aspartic acid at codon 422 is replaced by glycine, an amino acid with similar properties. This amino acid position is conserved. In addition, this alteration is predicted to be deleterious by in silico analysis. Based on the available evidence, the clinical significance of this variant remains unclear.